The following is an entry in ClinVar:

ClinVar aggregate classification (germline): Uncertain significance (1 of 4 stars; one submission).

Allele frequency attached by ClinVar (database versions not stated): ESP Exome Variant Server 0.00015; 1000 Genomes Project 0.00020; 1000 Genomes Project 30x 0.00031.

Submission:

Labcorp Genetics (formerly Invitae), Labcorp
Classification: Uncertain significance. Last evaluated: 2025-10-15. Review status: criteria provided, single submitter. Criteria: Invitae Variant Classification Sherloc (09022015). Collection method: clinical testing. Allele origin: germline.
Comment: This sequence change replaces arginine, which is basic and polar, with histidine, which is basic and polar, at codon 672 of the CLCN6 protein (p.Arg672His). This variant is present in population databases (rs143362803, gnomAD 0.03%). This variant has not been reported in the literature in individuals affected with CLCN6-related conditions. ClinVar contains an entry for this variant (Variation ID: 1429607). An algorithm developed to predict the effect of missense changes on protein structure and function (PolyPhen-2) suggests that this variant is likely to be disruptive. In summary, the available evidence is currently insufficient to determine the role of this variant in disease. Therefore, it has been classified as a Variant of Uncertain Significance.

NM_001286.5(CLCN6):c.2015G>A (p.Arg672His)

Gene: CLCN6 (chloride voltage-gated channel 6; plus strand). Cytogenetic location: 1p36.22.
Variant type: single nucleotide variant.
Coding change: c.2015G>A on transcript NM_001286.5 (MANE Select); coding-DNA position 2015, G replaced by A.
Protein change: p.Arg672His; replaces arginine 672 with histidine.
Molecular consequence: missense variant. On other transcripts: non-coding transcript variant (1).
Genome position (GRCh38, 1-based): chr1:11,837,033, G>A. VCF-style: chr1-11837033-G-A. GRCh37 (hg19) VCF-style: chr1-11897090-G-A.
Other names: c.1949G>A, p.Arg650His (NM_001256959.2); short protein forms R672H, R650H.
Identifiers: ClinVar variation 1429607 (VCV001429607.8), dbSNP rs143362803, ClinGen allele CA596692.
Genomic context (GRCh38, chr1:11,837,033, plus strand): 5'-GTAGCCTGTGGCCTCCCCACCCACAGAAATCCAGCATCCTCACCCGGGCTGGCGAGCAGC[G>A]CAAACGGAGCCAGTCCATGAAGTCCTACCCATCCAGCGAGCTACGGAACATGTGTGATGA-3'
Protein context (NP_001277.2, residues 662-682): SSILTRAGEQ[Arg672His]KRSQSMKSYP